The following is an entry in ClinVar:

ClinVar aggregate classification (germline): Benign/Likely benign. Review status: criteria provided, multiple submitters, no conflicts (2 of 4 stars). 4 submissions from 4 submitters: Benign (3); Likely benign (1). Last evaluated 2024-11-06.

Conditions:
Platelet-type bleeding disorder 9 (BDPLT9). Also called: GLYCOPROTEIN Ia DEFICIENCY; GP Ia DEFICIENCY; COLLAGEN PLATELET RECEPTOR DEFICIENCY. Identifiers: Orphanet 73271, Orphanet 98886, MedGen C3280114, MONDO:0013622, OMIM 614200.

Allele frequency attached by ClinVar (database versions not stated): ESP Exome Variant Server 0.00085; gnomAD 0.00697 and 0.00732; ExAC 0.00786; gnomAD exomes 0.01119; TOPMed 0.01146; 1000 Genomes Project 0.01378; 1000 Genomes Project 30x 0.01530.
gnomAD v4.1: 5,463 of 1,609,182 alleles (0.34%); highest among the groups gnomAD compares: Admixed American, 7.4%; 250 homozygotes.

Submissions (4):

Blueprint Genetics
Classification: Likely benign. Last evaluated: 2024-11-06. Review status: criteria provided, single submitter. Criteria: ACMG Guidelines, 2015. Collection method: clinical testing. Allele origin: germline.

Labcorp Genetics (formerly Invitae), Labcorp
Classification: Benign. Last evaluated: 2019-12-31. Review status: criteria provided, single submitter. Criteria: Invitae Variant Classification Sherloc (09022015). Collection method: clinical testing. Allele origin: germline.

Illumina Laboratory Services, Illumina
Classification: Benign for Platelet-type bleeding disorder 9. Last evaluated: 2018-01-12. Review status: criteria provided, single submitter. Criteria: ICSL Variant Classification Criteria 13 December 2019. Collection method: clinical testing. Allele origin: germline.
Comment: This variant was observed in the ICSL laboratory as part of a predisposition screen in an ostensibly healthy population. It had not been previously curated by ICSL or reported in the Human Gene Mutation Database (HGMD: prior to June 1st, 2018), and was therefore a candidate for classification through an automated scoring system. Utilizing variant allele frequency, disease prevalence and penetrance estimates, and inheritance mode, an automated score was calculated to assess if this variant is too frequent to cause the disease. Based on the score and internal cut-off values, a variant classified as benign is not then subjected to further curation. The score for this variant resulted in a classification of benign for this disease.

Breakthrough Genomics
Classification: Benign. Review status: criteria provided, single submitter. Criteria: ACMG Guidelines, 2015. Collection method: not provided. Allele origin: germline. Inheritance: Unknown mechanism. Affected: yes.

NM_002203.4(ITGA2):c.955G>A (p.Ala319Thr)

Gene: ITGA2 (integrin subunit alpha 2; plus strand). Cytogenetic location: 5q11.2.
Variant type: single nucleotide variant.
Coding change: c.955G>A on transcript NM_002203.4 (MANE Select); coding-DNA position 955, G replaced by A.
Protein change: p.Ala319Thr; replaces alanine 319 with threonine.
Molecular consequence: missense variant. On other transcripts: non-coding transcript variant (5).
Genome position (GRCh38, 1-based): chr5:53,056,008, G>A. VCF-style: chr5-53056008-G-A. GRCh37 (hg19) VCF-style: chr5-52351838-G-A.
Other names: short protein forms A319T.
Identifiers: ClinVar variation 353746 (VCV000353746.11), dbSNP rs41272301, ClinGen allele CA3262758.